The following is an entry in ClinVar:

NM_003072.5(SMARCA4):c.2161T>C (p.Ser721Pro)

Gene: SMARCA4 (SWI/SNF related BAF chromatin remodeling complex subunit ATPase 4; plus strand). Cytogenetic location: 19p13.2.
Variant type: single nucleotide variant.
Coding change: c.2161T>C on transcript NM_003072.5 (MANE Select); coding-DNA position 2161, T replaced by C.
Protein change: p.Ser721Pro; replaces serine 721 with proline.
Molecular consequence: missense variant. On other transcripts: non-coding transcript variant (1).
Genome position (GRCh38, 1-based): chr19:11,010,418, T>C. VCF-style: chr19-11010418-T-C. GRCh37 (hg19) VCF-style: chr19-11121094-T-C.
Other names: c.2161T>C, p.Ser721Pro (NM_001128844.3, NM_001128845.2, NM_001128846.2 and 6 more transcripts); short protein forms S721P.
Identifiers: ClinVar variation 3636862 (VCV003636862.2).

ClinVar aggregate classification (germline): Uncertain significance (1 of 4 stars; one submission).

Conditions:
Rhabdoid tumor predisposition syndrome 2 (RTPS2). Identifiers: Orphanet 231108, Orphanet 69077, MedGen C2750074, MONDO:0013224, OMIM 613325.

gnomAD v4.1: 1 of 1,614,006 alleles (0.000062%); highest among the groups gnomAD compares: Admixed American, 0.0017%; no homozygotes.

Submission:

Labcorp Genetics (formerly Invitae), Labcorp
Classification: Uncertain significance for Rhabdoid tumor predisposition syndrome 2. Last evaluated: 2024-05-26. Review status: criteria provided, single submitter. Criteria: Invitae Variant Classification Sherloc (09022015). Collection method: clinical testing. Allele origin: germline.
Comment: This sequence change replaces serine, which is neutral and polar, with proline, which is neutral and non-polar, at codon 721 of the SMARCA4 protein (p.Ser721Pro). This variant is not present in population databases (gnomAD no frequency). This variant has not been reported in the literature in individuals affected with SMARCA4-related conditions. Advanced modeling of protein sequence and biophysical properties (such as structural, functional, and spatial information, amino acid conservation, physicochemical variation, residue mobility, and thermodynamic stability) performed at Invitae indicates that this missense variant is not expected to disrupt SMARCA4 protein function with a negative predictive value of 95%. In summary, the available evidence is currently insufficient to determine the role of this variant in disease. Therefore, it has been classified as a Variant of Uncertain Significance.